The following is an entry in ClinVar:

NM_000081.4(LYST):c.2708G>C (p.Cys903Ser)

Gene: LYST (lysosomal trafficking regulator; minus strand). Cytogenetic location: 1q42.3.
Variant type: single nucleotide variant.
Coding change: c.2708G>C on transcript NM_000081.4 (MANE Select); coding-DNA position 2708, G replaced by C.
Protein change: p.Cys903Ser; replaces cysteine 903 with serine.
Molecular consequence: missense variant.
Genome position (GRCh38, 1-based): chr1:235,806,428, C>G on the plus strand (G>C on the coding strand, the complement: LYST is on the minus strand). VCF-style: chr1-235806428-C-G. GRCh37 (hg19) VCF-style: chr1-235969728-C-G.
Other names: c.2708G>C, p.Cys903Ser (NM_001301365.1); short protein forms C903S.
Identifiers: ClinVar variation 1997457 (VCV001997457.4), dbSNP rs778530055, ClinGen allele CA344955767.
Genomic context (GRCh38, chr1:235,806,428, plus strand): 5'-GAGTCATTGGCCGACTCCCTGTCAGACTCTGCTTCTTTACTTACGCATAAAAAAGCCACA[C>G]AGAGGAATAGGTTTATTGTGTTGATATGAACATCTTGGTTAACAGTCTTCCGTCTCTTTG-3'
Protein context (NP_000072.2, residues 893-913): VHINTINLFL[Cys903Ser]VAFLCVSKEA

ClinVar aggregate classification (germline): Uncertain significance (1 of 4 stars; one submission).

Conditions:
Chédiak-Higashi syndrome (CHS). Also called: Chediak-Higashi Syndrome. Identifiers: Orphanet 167, MedGen C0007965, MONDO:0008963, OMIM 214500.

gnomAD v4.1: 1 of 1,614,064 alleles (0.000062%); highest among the groups gnomAD compares: Non-Finnish European, 0.000085%; no homozygotes.

Submission:

Labcorp Genetics (formerly Invitae), Labcorp
Classification: Uncertain significance for Chédiak-Higashi syndrome. Last evaluated: 2022-05-21. Review status: criteria provided, single submitter. Criteria: Invitae Variant Classification Sherloc (09022015). Collection method: clinical testing. Allele origin: germline.
Comment: This variant has not been reported in the literature in individuals affected with LYST-related conditions. In summary, the available evidence is currently insufficient to determine the role of this variant in disease. Therefore, it has been classified as a Variant of Uncertain Significance. Algorithms developed to predict the effect of missense changes on protein structure and function (SIFT, PolyPhen-2, Align-GVGD) all suggest that this variant is likely to be tolerated. This variant is not present in population databases (gnomAD no frequency). This sequence change replaces cysteine, which is neutral and slightly polar, with serine, which is neutral and polar, at codon 903 of the LYST protein (p.Cys903Ser).